The following is an entry in ClinVar:

ClinVar aggregate classification (germline): Uncertain significance (1 of 4 stars; one submission).

Conditions:
Familial thoracic aortic aneurysm and aortic dissection (TAAD). Also called: Thoracic aortic aneurysms and dissections. Identifiers: Orphanet 91387, MedGen C4707243, MONDO:0019625.
Hereditary cancer-predisposing syndrome. Also called: Neoplastic Syndromes, Hereditary; Tumor predisposition; Hereditary neoplastic syndrome; Hereditary Cancer Syndrome. Identifiers: Orphanet 140162, MedGen C0027672, MeSH D009386, MONDO:0015356.

Submission:

Ambry Genetics
Classification: Uncertain significance for Hereditary cancer-predisposing syndrome; Familial thoracic aortic aneurysm and aortic dissection. Last evaluated: 2025-06-06. Review status: criteria provided, single submitter. Criteria: Ambry Variant Classification Scheme 2023. Collection method: clinical testing. Allele origin: germline.
Comment: The p.P170T variant (also known as c.508C>A), located in coding exon 4 of the SMAD4 gene, results from a C to A substitution at nucleotide position 508. The proline at codon 170 is replaced by threonine, an amino acid with highly similar properties. This amino acid position is conserved. In addition, the in silico prediction for this alteration is inconclusive. Based on the available evidence, the clinical significance of this variant remains unclear.

NM_005359.6(SMAD4):c.508C>A (p.Pro170Thr)

Gene: SMAD4 (SMAD family member 4; plus strand). Cytogenetic location: 18q21.2.
Variant type: single nucleotide variant.
Coding change: c.508C>A on transcript NM_005359.6 (MANE Select); coding-DNA position 508, C replaced by A.
Protein change: p.Pro170Thr; replaces proline 170 with threonine.
Molecular consequence: missense variant. On other transcripts: non-coding transcript variant (2).
Genome position (GRCh38, 1-based): chr18:51,054,834, C>A. VCF-style: chr18-51054834-C-A. GRCh37 (hg19) VCF-style: chr18-48581204-C-A.
Other names: c.508C>A, p.Pro170Thr (NM_001407041.1, NM_001407042.1, NM_001407043.1); short protein forms P170T.
Identifiers: ClinVar variation 4046626 (VCV004046626.1).